The following is an entry in ClinVar:

NM_012431.3(SEMA3E):c.2216G>A (p.Arg739Lys)

Gene: SEMA3E (semaphorin 3E; minus strand). Cytogenetic location: 7q21.11.
Variant type: single nucleotide variant.
Coding change: c.2216G>A on transcript NM_012431.3 (MANE Select); coding-DNA position 2216, G replaced by A.
Protein change: p.Arg739Lys; replaces arginine 739 with lysine.
Molecular consequence: missense variant.
Genome position (GRCh38, 1-based): chr7:83,367,698, C>T on the plus strand (G>A on the coding strand, the complement: SEMA3E is on the minus strand). VCF-style: chr7-83367698-C-T. GRCh37 (hg19) VCF-style: chr7-82997014-C-T.
Other names: c.2216G>A (NM_012431.2); c.2036G>A, p.Arg679Lys (NM_001178129.2); short protein forms R679K, R739K.
Identifiers: ClinVar variation 1387125 (VCV001387125.7), dbSNP rs750426538, ClinGen allele CA4321805.

ClinVar aggregate classification (germline): Uncertain significance. Review status: criteria provided, single submitter (1 of 4 stars). 2 submissions from 2 submitters: Uncertain significance (1). 1 of the submissions does not count toward it. Last evaluated 2024-08-12.

Conditions:
CHARGE syndrome (CHARGE). Also called: Hittner Hirsch Kreh syndrome; CHARGE ASSOCIATION--COLOBOMA, HEART ANOMALY, CHOANAL ATRESIA, RETARDATION, GENITAL AND EAR ANOMALIES; Coloboma, heart anomaly, choanal atresia, retardation, genital and ear anomalies; CHARGE association; Hall-Hittner syndrome. Identifiers: Orphanet 138, MedGen C0265354, MONDO:0008965.
SEMA3E-related disorder. Also called: SEMA3E-related condition.

Allele frequency attached by ClinVar (database versions not stated): ExAC 0.00001; TOPMed 0.00002.
gnomAD v4.1: 9 of 1,613,936 alleles (0.00056%); highest among the groups gnomAD compares: Non-Finnish European, 0.00076%; no homozygotes.

Submissions (2):

Labcorp Genetics (formerly Invitae), Labcorp
Classification: Uncertain significance for CHARGE syndrome. Last evaluated: 2024-08-12. Review status: criteria provided, single submitter. Criteria: Invitae Variant Classification Sherloc (09022015). Collection method: clinical testing. Allele origin: germline.
Comment: This sequence change replaces arginine, which is basic and polar, with lysine, which is basic and polar, at codon 739 of the SEMA3E protein (p.Arg739Lys). This variant is present in population databases (rs750426538, gnomAD 0.002%). This variant has not been reported in the literature in individuals affected with SEMA3E-related conditions. ClinVar contains an entry for this variant (Variation ID: 1387125). An algorithm developed to predict the effect of missense changes on protein structure and function (PolyPhen-2) suggests that this variant is likely to be tolerated. In summary, the available evidence is currently insufficient to determine the role of this variant in disease. Therefore, it has been classified as a Variant of Uncertain Significance.

PreventionGenetics, part of Exact Sciences
Classification: Uncertain significance for SEMA3E-related condition. Last evaluated: 2024-08-20. Review status: no assertion criteria provided. Collection method: clinical testing. Allele origin: germline. Not counted in ClinVar's aggregate classification.
Comment: The SEMA3E c.2216G>A variant is predicted to result in the amino acid substitution p.Arg739Lys. To our knowledge, this variant has not been reported in the literature. This variant is reported in 0.0018% of alleles in individuals of European (Non-Finnish) descent in gnomAD. At this time, the clinical significance of this variant is uncertain due to the absence of conclusive functional and genetic evidence.